The following is an entry in ClinVar:

ClinVar aggregate classification (germline): Likely benign. Review status: criteria provided, multiple submitters, no conflicts (2 of 4 stars). 3 submissions from 3 submitters: Likely benign (3). Last evaluated 2024-12-16.

Conditions:
Charcot-Marie-Tooth disease type 2. Also called: Charcot-Marie-Tooth type 2. Identifiers: Orphanet 64746, MedGen C0270914, MONDO:0018993.

Allele frequency attached by ClinVar (database versions not stated): ExAC 0.00001; gnomAD 0.00001; gnomAD exomes 0.00001 and 0.00002; TOPMed 0.00001.
gnomAD v4.1: 12 of 1,614,086 alleles (0.00074%); highest among the groups gnomAD compares: Non-Finnish European, 0.00093%; no homozygotes.

Submissions (3):

Labcorp Genetics (formerly Invitae), Labcorp
Classification: Likely benign for Charcot-Marie-Tooth disease type 2. Last evaluated: 2024-12-16. Review status: criteria provided, single submitter. Criteria: Invitae Variant Classification Sherloc (09022015). Collection method: clinical testing. Allele origin: germline.

Blueprint Genetics
Classification: Likely benign. Last evaluated: 2023-10-27. Review status: criteria provided, single submitter. Criteria: ACMG Guidelines, 2015. Collection method: clinical testing. Allele origin: germline.

GeneDx
Classification: Likely benign. Last evaluated: 2018-02-06. Review status: criteria provided, single submitter. Criteria: GeneDx Variant Classification (06012015). Collection method: clinical testing. Allele origin: germline. Affected: yes.
Comment: This variant is considered likely benign or benign based on one or more of the following criteria: it is a conservative change, it occurs at a poorly conserved position in the protein, it is predicted to be benign by multiple in silico algorithms, and/or has population frequency not consistent with disease.

NM_014874.4(MFN2):c.311+8C>T

Gene: MFN2 (mitofusin 2; plus strand). Cytogenetic location: 1p36.22.
Variant type: single nucleotide variant.
Coding change: c.311+8C>T on transcript NM_014874.4 (MANE Select); 8 bases into the intron after coding-DNA position 311, C replaced by T.
Molecular consequence: intron variant.
Genome position (GRCh38, 1-based): chr1:11,992,698, C>T. VCF-style: chr1-11992698-C-T. GRCh37 (hg19) VCF-style: chr1-12052755-C-T.
Other names: c.311+8C>T (NM_001127660.2).
Identifiers: ClinVar variation 514815 (VCV000514815.9), dbSNP rs747730092, ClinGen allele CA598791.